The following is an entry in ClinVar:

ClinVar aggregate classification (germline): Uncertain significance (1 of 4 stars; one submission).

Conditions:
Familial cancer of breast. Also called: hereditary breast carcinoma; BREAST CANCER, FAMILIAL; Hereditary breast cancer. Identifiers: Orphanet 227535, MedGen C0346153, MONDO:0016419, OMIM 114480. Disease mechanism: loss of function.

Submission:

Labcorp Genetics (formerly Invitae), Labcorp
Classification: Uncertain significance for Familial cancer of breast. Last evaluated: 2023-02-14. Review status: criteria provided, single submitter. Criteria: Invitae Variant Classification Sherloc (09022015). Collection method: clinical testing. Allele origin: germline.
Comment: This sequence change replaces lysine, which is basic and polar, with isoleucine, which is neutral and non-polar, at codon 278 of the CHEK2 protein (p.Lys278Ile). This variant is not present in population databases (gnomAD no frequency). This variant has not been reported in the literature in individuals affected with CHEK2-related conditions. Algorithms developed to predict the effect of missense changes on protein structure and function are either unavailable or do not agree on the potential impact of this missense change (SIFT: "Deleterious"; PolyPhen-2: "Possibly Damaging"; Align-GVGD: "Class C0"). In summary, the available evidence is currently insufficient to determine the role of this variant in disease. Therefore, it has been classified as a Variant of Uncertain Significance.

NM_007194.4(CHEK2):c.833A>T (p.Lys278Ile)

Gene: CHEK2 (checkpoint kinase 2; minus strand). Cytogenetic location: 22q12.1.
Variant type: single nucleotide variant.
Coding change: c.833A>T on transcript NM_007194.4 (MANE Select); coding-DNA position 833, A replaced by T.
Protein change: p.Lys278Ile; replaces lysine 278 with isoleucine.
Molecular consequence: missense variant.
Genome position (GRCh38, 1-based): chr22:28,710,019, T>A on the plus strand (A>T on the coding strand, the complement: CHEK2 is on the minus strand). VCF-style: chr22-28710019-T-A. GRCh37 (hg19) VCF-style: chr22-29106007-T-A.
Other names: c.962A>T, p.Lys321Ile (NM_001005735.3); c.170A>T, p.Lys57Ile (NM_001257387.3); c.632A>T, p.Lys211Ile (NM_001349956.3); c.833A>T, p.Lys278Ile (NM_145862.3); short protein forms K278I, K57I, K211I, K321I.
Identifiers: ClinVar variation 2836864 (VCV002836864.3), dbSNP rs2145932806, ClinGen allele CA411102329.